The following is an entry in ClinVar:

NM_198282.4(STING1):c.228-3C>T

Gene: STING1 (stimulator of interferon response cGAMP interactor 1; minus strand). Cytogenetic location: 5q31.2.
Variant type: single nucleotide variant.
Coding change: c.228-3C>T on transcript NM_198282.4 (MANE Select); 3 bases into the intron before coding-DNA position 228, C replaced by T.
Molecular consequence: intron variant.
Genome position (GRCh38, 1-based): chr5:139,481,345, G>A on the plus strand (C>T on the coding strand, the complement: STING1 is on the minus strand). VCF-style: chr5-139481345-G-A. GRCh37 (hg19) VCF-style: chr5-138860930-G-A.
Other names: c.-130-3C>T (NM_001367258.1); c.228-3C>T (NM_001301738.2).
Identifiers: ClinVar variation 1680270 (VCV001680270.6), dbSNP rs1751840868, ClinGen allele CA1586316079.
Genomic context (GRCh38, chr5:139,481,345, plus strand): 5'-ACGGCGGAGGGGGCAGCCCAGGCAGGCCCGCACAGTCCTCCAGTAGCTGCCCCGGTACCT[G>A]TGAGTGACAGCCAGACCCCAGACCCCAGCCCCCAGCCCAGCTCAGCCAGAGAGGTTCAAG-3'

ClinVar aggregate classification (germline): Uncertain significance (1 of 4 stars; one submission).

Conditions:
STING-associated vasculopathy with onset in infancy. Also called: Sting-associated vasculopathy, infantile-onset. Identifiers: Orphanet 425120, MedGen C4014722, MONDO:0014405, OMIM 615934.

Allele frequency attached by ClinVar (database versions not stated): TOPMed below 0.00001; gnomAD exomes below 0.00001.

Submission:

Labcorp Genetics (formerly Invitae), Labcorp
Classification: Uncertain significance for STING-associated vasculopathy with onset in infancy. Last evaluated: 2025-09-19. Review status: criteria provided, single submitter. Criteria: Invitae Variant Classification Sherloc (09022015). Collection method: clinical testing. Allele origin: germline.
Comment: This sequence change falls in intron 3 of the TMEM173 gene. It does not directly change the encoded amino acid sequence of the TMEM173 protein. It affects a nucleotide within the consensus splice site. This variant is not present in population databases (gnomAD no frequency). This variant has not been reported in the literature in individuals affected with TMEM173-related conditions. ClinVar contains an entry for this variant (Variation ID: 1680270). Variants that disrupt the consensus splice site are a relatively common cause of aberrant splicing (PMID: 17576681, 9536098). Algorithms developed to predict the effect of sequence changes on RNA splicing suggest that this variant is not likely to affect RNA splicing. In summary, the available evidence is currently insufficient to determine the role of this variant in disease. Therefore, it has been classified as a Variant of Uncertain Significance.

Literature cited by the submitters: PubMed 17576681; PubMed 9536098.